The following is an entry in ClinVar:

NM_003664.5(AP3B1):c.1021C>T (p.Arg341Cys)

Gene: AP3B1 (adaptor related protein complex 3 subunit beta 1; minus strand). Cytogenetic location: 5q14.1.
Variant type: single nucleotide variant.
Coding change: c.1021C>T on transcript NM_003664.5 (MANE Select); coding-DNA position 1021, C replaced by T.
Protein change: p.Arg341Cys; replaces arginine 341 with cysteine.
Molecular consequence: missense variant.
Genome position (GRCh38, 1-based): chr5:78,177,358, G>A on the plus strand (C>T on the coding strand, the complement: AP3B1 is on the minus strand). VCF-style: chr5-78177358-G-A. GRCh37 (hg19) VCF-style: chr5-77473182-G-A.
Other names: p.Arg341Cys; c.874C>T, p.Arg292Cys (NM_001271769.2); c.1021C>T (NM_003664.4); short protein forms R292C, R341C.
Identifiers: ClinVar variation 1493497 (VCV001493497.8), dbSNP rs964935640, ClinGen allele CA121092738.

ClinVar aggregate classification (germline): Uncertain significance. Review status: criteria provided, multiple submitters, no conflicts (2 of 4 stars). 3 submissions from 3 submitters: Uncertain significance (3). Last evaluated 2025-10-17.

Conditions:
Hermansky-Pudlak syndrome 2 (HPS2). Also called: Platelet defects and oculocutaneous albinism. Identifiers: Orphanet 183678, Orphanet 79430, MedGen C1842362, MONDO:0011997, OMIM 608233.

Allele frequency attached by ClinVar (database versions not stated): gnomAD 0.00001; gnomAD exomes 0.00001.
gnomAD v4.1: 12 of 1,612,948 alleles (0.00074%); highest among the groups gnomAD compares: Middle Eastern, 0.016%; no homozygotes.

Submissions (3):

Mayo Clinic Laboratories, Mayo Clinic
Classification: Uncertain significance. Last evaluated: 2025-10-17. Review status: criteria provided, single submitter. Criteria: ACMG Guidelines, 2015. Collection method: clinical testing. Allele origin: germline. Observed: 1 variant allele.
Comment: PM2_supporting

Blueprint Genetics
Classification: Uncertain significance. Last evaluated: 2022-07-26. Review status: criteria provided, single submitter. Criteria: ACMG Guidelines, 2015. Collection method: clinical testing. Allele origin: germline.

Labcorp Genetics (formerly Invitae), Labcorp
Classification: Uncertain significance for Hermansky-Pudlak syndrome 2. Last evaluated: 2021-05-31. Review status: criteria provided, single submitter. Criteria: Invitae Variant Classification Sherloc (09022015). Collection method: clinical testing. Allele origin: germline.
Comment: In summary, the available evidence is currently insufficient to determine the role of this variant in disease. Therefore, it has been classified as a Variant of Uncertain Significance. Algorithms developed to predict the effect of missense changes on protein structure and function are either unavailable or do not agree on the potential impact of this missense change (SIFT: "Deleterious"; PolyPhen-2: "Possibly Damaging"; Align-GVGD: "Class C0"). This variant has not been reported in the literature in individuals with AP3B1-related conditions. This variant is not present in population databases (ExAC no frequency). This sequence change replaces arginine with cysteine at codon 341 of the AP3B1 protein (p.Arg341Cys). The arginine residue is highly conserved and there is a large physicochemical difference between arginine and cysteine.